The following is an entry in ClinVar:

NM_001083124.1(SPATA31A3):c.465G>A (p.Pro155=)

Gene: SPATA31A3 (SPATA31 subfamily A member 3; minus strand). Cytogenetic location: 9q21.11.
Variant type: single nucleotide variant.
Coding change: c.465G>A on transcript NM_001083124.1 (MANE Select); coding-DNA position 465, G replaced by A.
Protein change: p.Pro155=; no amino-acid change (proline 155 retained).
Molecular consequence: synonymous variant.
Genome position (GRCh38, 1-based): chr9:66,990,033, C>T on the plus strand (G>A on the coding strand, the complement: SPATA31A3 is on the minus strand). VCF-style: chr9-66990033-C-T. GRCh37 (hg19) VCF-style: chr9-40702808-G-A.
Identifiers: ClinVar variation 3025529 (VCV003025529.22), dbSNP rs781630040, ClinGen allele CA5066104.

ClinVar aggregate classification (germline): Likely benign (1 of 4 stars; one submission).

Allele frequency attached by ClinVar (database versions not stated): ExAC 0.00003; TOPMed 0.00109; 1000 Genomes Project 30x 0.00125.

Submission:

CeGaT Center for Human Genetics Tuebingen
Classification: Likely benign. Last evaluated: 2024-02-01. Review status: criteria provided, single submitter. Criteria: CeGaT Center For Human Genetics Tuebingen Variant Classification Criteria Version 2. Collection method: clinical testing. Allele origin: germline. Affected: yes. Observed: 1 variant allele.
Comment: SPATA31A3: BP4, BP7